The following is an entry in ClinVar:

NM_007055.4(POLR3A):c.1262T>C (p.Ile421Thr)

Gene: POLR3A (RNA polymerase III subunit A; minus strand). Cytogenetic location: 10q22.3.
Variant type: single nucleotide variant.
Coding change: c.1262T>C on transcript NM_007055.4 (MANE Select); coding-DNA position 1262, T replaced by C.
Protein change: p.Ile421Thr; replaces isoleucine 421 with threonine.
Molecular consequence: missense variant.
Genome position (GRCh38, 1-based): chr10:78,019,189, A>G on the plus strand (T>C on the coding strand, the complement: POLR3A is on the minus strand). VCF-style: chr10-78019189-A-G. GRCh37 (hg19) VCF-style: chr10-79778947-A-G.
Other names: short protein forms I421T.
Identifiers: ClinVar variation 1406245 (VCV001406245.5), dbSNP rs748120667, ClinGen allele CA5571500.

ClinVar aggregate classification (germline): Uncertain significance (1 of 4 stars; one submission).

Allele frequency attached by ClinVar (database versions not stated): gnomAD 0.00001; gnomAD exomes 0.00002 and 0.00004; TOPMed 0.00002; ExAC 0.00004.

Submission:

Labcorp Genetics (formerly Invitae), Labcorp
Classification: Uncertain significance. Last evaluated: 2022-08-31. Review status: criteria provided, single submitter. Criteria: Invitae Variant Classification Sherloc (09022015). Collection method: clinical testing. Allele origin: germline.
Comment: This sequence change replaces isoleucine, which is neutral and non-polar, with threonine, which is neutral and polar, at codon 421 of the POLR3A protein (p.Ile421Thr). This variant is present in population databases (rs748120667, gnomAD 0.03%). This variant has not been reported in the literature in individuals affected with POLR3A-related conditions. ClinVar contains an entry for this variant (Variation ID: 1406245). Algorithms developed to predict the effect of missense changes on protein structure and function are either unavailable or do not agree on the potential impact of this missense change (SIFT: "Deleterious"; PolyPhen-2: "Possibly Damaging"; Align-GVGD: "Class C0"). In summary, the available evidence is currently insufficient to determine the role of this variant in disease. Therefore, it has been classified as a Variant of Uncertain Significance.